The following is an entry in ClinVar:

NM_000447.3(PSEN2):c.260_261inv (p.His87Arg)

Gene: PSEN2 (presenilin 2; plus strand). Cytogenetic location: 1q42.13.
Variant type: Inversion.
Coding change: c.260_261inv on transcript NM_000447.3 (MANE Select).
Protein change: p.His87Arg; replaces histidine 87 with arginine.
Molecular consequence: missense variant.
Genome position: GRCh38 VCF-style: chr1-226883823-AC-GT. GRCh37 (hg19) VCF-style: chr1-227071524-AC-GT.
Other names: c.260_261inv, p.His87Arg (NM_012486.3); short protein forms H87R.
Identifiers: ClinVar variation 1063072 (VCV001063072.7), ClinGen allele CA2499214549.

ClinVar aggregate classification (germline): Uncertain significance (1 of 4 stars; one submission).

Conditions:
Alzheimer disease 4 (AD4). Identifiers: Orphanet 1020, MedGen C1847200, MONDO:0011743, OMIM 606889.

Submission:

Labcorp Genetics (formerly Invitae), Labcorp
Classification: Uncertain significance for Alzheimer disease 4. Last evaluated: 2024-01-04. Review status: criteria provided, single submitter. Criteria: Invitae Variant Classification Sherloc (09022015). Collection method: clinical testing. Allele origin: germline.
Comment: This sequence change replaces histidine, which is basic and polar, with arginine, which is basic and polar, at codon 87 of the PSEN2 protein (p.His87Arg). Information on the frequency of this variant in the gnomAD database is not available, as this variant may be reported differently in the database. This variant has not been reported in the literature in individuals affected with PSEN2-related conditions. ClinVar contains an entry for this variant (Variation ID: 1063072). An algorithm developed to predict the effect of missense changes on protein structure and function (PolyPhen-2) suggests that this variant is likely to be disruptive. In summary, the available evidence is currently insufficient to determine the role of this variant in disease. Therefore, it has been classified as a Variant of Uncertain Significance.